The following is an entry in ClinVar:

NM_002465.4(MYBPC1):c.2093T>A (p.Leu698His)

Gene: MYBPC1 (myosin binding protein C1; plus strand). Cytogenetic location: 12q23.2.
Variant type: single nucleotide variant.
Coding change: c.2093T>A on transcript NM_002465.4 (MANE Select); coding-DNA position 2093, T replaced by A.
Protein change: p.Leu698His; replaces leucine 698 with histidine.
Molecular consequence: missense variant.
Genome position (GRCh38, 1-based): chr12:101,662,418, T>A. VCF-style: chr12-101662418-T-A. GRCh37 (hg19) VCF-style: chr12-102056196-T-A.
Other names: c.2018T>A, p.Leu673His (NM_001254718.3, NM_001254719.3, NM_206820.4 and 1 more transcripts); c.1982T>A, p.Leu661His (NM_001254720.3); c.1961T>A, p.Leu654His (NM_001254721.3, NM_001404676.1, NM_001404678.1); c.1940T>A, p.Leu647His (NM_001254722.3, NM_001404680.1); c.1979T>A, p.Leu660His (NM_001254723.3); c.2093T>A, p.Leu698His (NM_001404675.1, NM_206819.4); c.1883T>A, p.Leu628His (NM_001404677.1, NM_001404679.1, NM_001404681.1); short protein forms L628H, L661H, L647H, L654H, L660H, L698H, L673H.
Identifiers: ClinVar variation 4704038 (VCV004704038.1).

ClinVar aggregate classification (germline): Uncertain significance (1 of 4 stars; one submission).

Submission:

Labcorp Genetics (formerly Invitae), Labcorp
Classification: Uncertain significance. Last evaluated: 2025-10-07. Review status: criteria provided, single submitter. Criteria: Invitae Variant Classification Sherloc (09022015). Collection method: clinical testing. Allele origin: germline.
Comment: This sequence change replaces leucine, which is neutral and non-polar, with histidine, which is basic and polar, at codon 698 of the MYBPC1 protein (p.Leu698His). This variant is not present in population databases (gnomAD no frequency). This variant has not been reported in the literature in individuals affected with MYBPC1-related conditions. Invitae Evidence Modeling of protein sequence and biophysical properties (such as structural, functional, and spatial information, amino acid conservation, physicochemical variation, residue mobility, and thermodynamic stability) has been performed for this missense variant. However, the output from this modeling did not meet the statistical confidence thresholds required to predict the impact of this variant on MYBPC1 protein function. In summary, the available evidence is currently insufficient to determine the role of this variant in disease. Therefore, it has been classified as a Variant of Uncertain Significance.